The following is an entry in ClinVar:

NM_003072.5(SMARCA4):c.3215+1dup

Gene: SMARCA4 (SWI/SNF related BAF chromatin remodeling complex subunit ATPase 4; plus strand). Cytogenetic location: 19p13.2.
Variant type: Duplication.
Coding change: c.3215+1dup on transcript NM_003072.5 (MANE Select); the canonical splice donor site of the intron after coding-DNA position 3215, one base duplicated (G; older notation c.3215+1dupG).
Molecular consequence: splice donor variant.
Genome position (GRCh38, 1-based): chr19:11,026,347, G duplicated; the last of 3 consecutive G bases (chr19:11,026,345-11,026,347); duplicating any one gives the same sequence. VCF-style (leftmost placement, unchanged base first): chr19-11026344-A-AG. GRCh37 (hg19) VCF-style: chr19-11137020-A-AG.
Other names: c.3215+1dup (NM_001128844.3, NM_001128849.3, NM_001128847.4 and 6 more transcripts); c.3215+1dupG (NM_001128849.1).
Identifiers: ClinVar variation 4876084 (VCV004876084.2).

ClinVar aggregate classification (germline): Likely pathogenic. Review status: criteria provided, multiple submitters, no conflicts (2 of 4 stars). 2 submissions from 2 submitters: Likely pathogenic (2). Last evaluated 2026-08-26.

Conditions:
Hereditary cancer-predisposing syndrome. Also called: Neoplastic Syndromes, Hereditary; Tumor predisposition; Hereditary Cancer Syndrome; Hereditary neoplastic syndrome. Identifiers: Orphanet 140162, MedGen C0027672, MeSH D009386, MONDO:0015356.
Rhabdoid tumor predisposition syndrome 2 (RTPS2). Identifiers: Orphanet 231108, Orphanet 69077, MedGen C2750074, MONDO:0013224, OMIM 613325.

Submissions (2):

Ambry Genetics
Classification: Likely pathogenic for Hereditary cancer-predisposing syndrome. Last evaluated: 2026-08-26. Review status: criteria provided, single submitter. Criteria: Ambry Variant Classification Scheme 2023. Collection method: clinical testing. Allele origin: germline.
Comment: The c.3215+1dupG intronic variant results from a duplication of one nucleotide between positions 3215+1 and 3215+2 and involves the canonical splice donor site after coding exon 22 of the SMARCA4 gene. In silico splice site analysis predicts that this alteration will weaken the native splice donor site and will result in the creation or strengthening of a novel splice donor site. RNA studies have demonstrated that this variant results in abnormal splicing in the set of samples tested (Ambry internal data). Loss-of-function variants in SMARCA4 are known to cause rhabdoid tumor predisposition syndrome including small cell carcinoma of the ovary-hypercalcemic type (SCCOHT); however, such associations with neurodevelopmental disorders are exceedingly rare (Kosho T et al. Am J Med Genet C Semin Med Genet. 2014 Sep;166C(3):262-75; Jelinic P et al. Nat Genet. 2014 May;46(5):424-6). This variant is considered to be rare based on population cohorts in the Genome Aggregation Database (gnomAD). The canonical splice donor site is highly conserved in available vertebrate species. Based on the supporting evidence, this variant is likely pathogenic for rhabdoid tumor predisposition syndrome; however, the association of this variant with Coffin-Siris syndrome is unlikely.

Myriad Genetics, Inc.
Classification: Likely pathogenic for Rhabdoid tumor predisposition syndrome 2. Last evaluated: 2026-06-04. Review status: criteria provided, single submitter. Criteria: Myriad Autosomal Dominant, Autosomal Recessive and X-Linked Classification Criteria (2023). Collection method: clinical testing. Allele origin: unknown.
Comment: This variant is considered likely pathogenic. This variant occurs within a consensus splice junction and is predicted to result in abnormal mRNA splicing of either an out-of-frame exon or an in-frame exon necessary for protein stability and/or normal function.